The following is an entry in ClinVar:

NM_001142864.4(PIEZO1):c.2664G>A (p.Glu888=)

Genes: PIEZO1 (piezo type mechanosensitive ion channel component 1 (Er blood group); minus strand), HSALR1 (HSP90AB1 associated lncRNA 1; plus strand). Cytogenetic location: 16q24.3.
Variant type: single nucleotide variant.
Coding change: c.2664G>A on transcript NM_001142864.4 (MANE Select); coding-DNA position 2664, G replaced by A.
Protein change: p.Glu888=; no amino-acid change (glutamic acid 888 retained).
Molecular consequence: synonymous variant.
Genome position (GRCh38, 1-based): chr16:88,733,278, C>T on the plus strand (G>A on the coding strand, the complement: PIEZO1 is on the minus strand). VCF-style: chr16-88733278-C-T. GRCh37 (hg19) VCF-style: chr16-88799686-C-T.
Other names: c.1206G>A, p.Glu402= (NM_014745.1).
Identifiers: ClinVar variation 1709589 (VCV001709589.1), dbSNP rs2507903712, ClinGen allele CA497082885.

ClinVar aggregate classification (germline): Uncertain significance (1 of 4 stars; one submission).

Conditions:
Lymphatic malformation 6 (LMPHM6). Also called: PIEZO1-related generalized lymphatic dysplasia with non-immune hydrops fetalis; GENERALIZED LYMPHATIC DYSPLASIA OF FOTIOU; Lymphedema, hereditary, III. Identifiers: Orphanet 568062, MedGen C4225184, MONDO:0014797, OMIM 616843.

Submission:

MGZ Medical Genetics Center
Classification: Uncertain significance for Lymphatic malformation 6. Last evaluated: 2022-06-13. Review status: criteria provided, single submitter. Criteria: ACMG Guidelines, 2015. Collection method: clinical testing. Allele origin: germline. Affected: yes. Observed: 1 variant allele.
Comment: ACMG criteria applied: PM2_SUP, PP3